The following is an entry in ClinVar:

NM_000368.5(TSC1):c.1711G>A (p.Glu571Lys)

Gene: TSC1 (TSC complex subunit 1; minus strand). Cytogenetic location: 9q34.13.
Variant type: single nucleotide variant.
Coding change: c.1711G>A on transcript NM_000368.5 (MANE Select); coding-DNA position 1711, G replaced by A.
Protein change: p.Glu571Lys; replaces glutamic acid 571 with lysine.
Molecular consequence: missense variant.
Genome position (GRCh38, 1-based): chr9:132,905,867, C>T on the plus strand (G>A on the coding strand, the complement: TSC1 is on the minus strand). VCF-style: chr9-132905867-C-T. GRCh37 (hg19) VCF-style: chr9-135781254-C-T.
Other names: c.1708G>A, p.Glu570Lys (NM_001162426.2, NM_001406597.1, NM_001406598.1 and 6 more transcripts); c.1558G>A, p.Glu520Lys (NM_001162427.2, NM_001406610.1); c.1348G>A, p.Glu450Lys (NM_001362177.2, NM_001406624.1, NM_001406614.1 and 5 more transcripts); c.1711G>A, p.Glu571Lys (NM_001406592.1, NM_001406593.1, NM_001406594.1 and 7 more transcripts); c.1555G>A, p.Glu519Lys (NM_001406611.1, NM_001406612.1, NM_001406613.1); c.1345G>A, p.Glu449Lys (NM_001406625.1, NM_001406620.1, NM_001406621.1 and 2 more transcripts); c.760G>A, p.Glu254Lys (NM_001406626.1); c.757G>A, p.Glu253Lys (NM_001406627.1, NM_001406628.1); and 1 more; short protein forms E254K, E450K, E571K, E449K, E520K, E220K, E253K, E519K.
Identifiers: ClinVar variation 1778573 (VCV001778573.5), dbSNP rs1172716547, ClinGen allele CA375364060.

ClinVar aggregate classification (germline): Uncertain significance. Review status: criteria provided, multiple submitters, no conflicts (2 of 4 stars). 2 submissions from 2 submitters: Uncertain significance (2). Last evaluated 2025-06-05.

Conditions:
Tuberous sclerosis 1 (TSC1). Identifiers: Orphanet 805, MedGen C1854465, MONDO:0008612, OMIM 191100.
Hereditary cancer-predisposing syndrome. Also called: Tumor predisposition; Neoplastic Syndromes, Hereditary; Hereditary Cancer Syndrome; Hereditary neoplastic syndrome. Identifiers: Orphanet 140162, MedGen C0027672, MeSH D009386, MONDO:0015356.

Allele frequency attached by ClinVar (database versions not stated): TOPMed below 0.00001; gnomAD 0.00001.
gnomAD v4.1: 1 of 1,612,458 alleles (0.000062%); highest among the groups gnomAD compares: Non-Finnish European, 0.000085%; no homozygotes.

Submissions (2):

Labcorp Genetics (formerly Invitae), Labcorp
Classification: Uncertain significance for Tuberous sclerosis 1. Last evaluated: 2025-06-05. Review status: criteria provided, single submitter. Criteria: Invitae Variant Classification Sherloc (09022015). Collection method: clinical testing. Allele origin: germline.
Comment: This sequence change replaces glutamic acid, which is acidic and polar, with lysine, which is basic and polar, at codon 571 of the TSC1 protein (p.Glu571Lys). This variant is not present in population databases (gnomAD no frequency). This variant has not been reported in the literature in individuals affected with TSC1-related conditions. ClinVar contains an entry for this variant (Variation ID: 1778573). Invitae Evidence Modeling of protein sequence and biophysical properties (such as structural, functional, and spatial information, amino acid conservation, physicochemical variation, residue mobility, and thermodynamic stability) indicates that this missense variant is not expected to disrupt TSC1 protein function with a negative predictive value of 95%. In summary, the available evidence is currently insufficient to determine the role of this variant in disease. Therefore, it has been classified as a Variant of Uncertain Significance.

Ambry Genetics
Classification: Uncertain significance for Hereditary cancer-predisposing syndrome. Last evaluated: 2022-05-14. Review status: criteria provided, single submitter. Criteria: Ambry Variant Classification Scheme 2023. Collection method: clinical testing. Allele origin: germline.
Comment: The p.E571K variant (also known as c.1711G>A), located in coding exon 13 of the TSC1 gene, results from a G to A substitution at nucleotide position 1711. The glutamic acid at codon 571 is replaced by lysine, an amino acid with similar properties. This amino acid position is conserved. In addition, this alteration is predicted to be tolerated by in silico analysis. Since supporting evidence is limited at this time, the clinical significance of this alteration remains unclear.